The following is an entry in ClinVar:

NM_020442.6(VARS2):c.1496C>G (p.Ala499Gly)

Gene: VARS2 (valyl-tRNA synthetase 2, mitochondrial; plus strand). Cytogenetic location: 6p21.33.
Variant type: single nucleotide variant.
Coding change: c.1496C>G on transcript NM_020442.6 (MANE Select); coding-DNA position 1496, C replaced by G.
Protein change: p.Ala499Gly; replaces alanine 499 with glycine.
Molecular consequence: missense variant.
Genome position (GRCh38, 1-based): chr6:30,921,081, C>G. VCF-style: chr6-30921081-C-G. GRCh37 (hg19) VCF-style: chr6-30888858-C-G.
Other names: c.1076C>G, p.Ala359Gly (NM_001167733.3); c.1586C>G, p.Ala529Gly (NM_001167734.2); short protein forms A359G, A499G, A529G.
Identifiers: ClinVar variation 1696922 (VCV001696922.5), dbSNP rs751016666, ClinGen allele CA3705937.
Genomic context (GRCh38, chr6:30,921,081, plus strand): 5'-CGTGCAGGAAGGGCAACATTGTCTAAAGTCCCCTTTCTCTCCAGGCTGTGGAGTCGGGGG[C>G]CCTGGAGCTCAGTCCCTCCTTCCACCAGAAGAACTGGCAGCACTGGTTTTCCCATATTGG-3'
Protein context (NP_065175.4, residues 489-509): ARAAKAVESG[Ala499Gly]LELSPSFHQK

ClinVar aggregate classification (germline): Uncertain significance. Review status: criteria provided, multiple submitters, no conflicts (2 of 4 stars). 2 submissions from 2 submitters: Uncertain significance (2). Last evaluated 2022-08-26.

Conditions:
Inborn genetic diseases. Identifiers: MedGen C0950123, MeSH D030342.

Allele frequency attached by ClinVar (database versions not stated): gnomAD 0.00001; gnomAD exomes 0.00004 and 0.00005; ExAC 0.00007.
gnomAD v4.1: 57 of 1,613,144 alleles (0.0035%); highest among the groups gnomAD compares: South Asian, 0.056%; no homozygotes.

Submissions (2):

Ambry Genetics
Classification: Uncertain significance for Inborn genetic diseases. Last evaluated: 2022-08-26. Review status: criteria provided, single submitter. Criteria: Ambry Variant Classification Scheme 2023. Collection method: clinical testing. Allele origin: germline.

GeneDx
Classification: Uncertain significance. Last evaluated: 2022-07-14. Review status: criteria provided, single submitter. Criteria: GeneDx Variant Classification Process June 2021. Collection method: clinical testing. Allele origin: germline. Affected: yes.
Comment: In silico analysis supports that this missense variant does not alter protein structure/function; Has not been previously published as pathogenic or benign to our knowledge